The following is an entry in ClinVar:

ClinVar aggregate classification (germline): Uncertain significance. Review status: criteria provided, multiple submitters, no conflicts (2 of 4 stars). 2 submissions from 2 submitters: Uncertain significance (2). Last evaluated 2025-09-10.

Conditions:
Inborn genetic diseases. Identifiers: MedGen C0950123, MeSH D030342.
Acute myeloid leukemia (AML). Also called: Acute myeloid leukemia, adult; AML adult; Acute non-lymphocytic leukemia; Acute granulocytic leukemia; Leukemia, acute myeloid, somatic; Leukemia, acute myelogenous, somatic. Identifiers: Orphanet 519, MedGen C0023467, MeSH D015470, MONDO:0018874, OMIM 601626, HP:0004808. Disease mechanism: Constitutively activated FLT3.

Submissions (2):

Labcorp Genetics (formerly Invitae), Labcorp
Classification: Uncertain significance for Acute myeloid leukemia. Last evaluated: 2025-09-10. Review status: criteria provided, single submitter. Criteria: Invitae Variant Classification Sherloc (09022015). Collection method: clinical testing. Allele origin: germline.
Comment: This sequence change replaces alanine, which is neutral and non-polar, with serine, which is neutral and polar, at codon 113 of the CEBPA protein (p.Ala113Ser). This variant is not present in population databases (gnomAD no frequency). This variant has not been reported in the literature in individuals affected with CEBPA-related conditions. ClinVar contains an entry for this variant (Variation ID: 3831241). Invitae Evidence Modeling of protein sequence and biophysical properties (such as structural, functional, and spatial information, amino acid conservation, physicochemical variation, residue mobility, and thermodynamic stability) indicates that this missense variant is not expected to disrupt CEBPA protein function with a negative predictive value of 80%. In summary, the available evidence is currently insufficient to determine the role of this variant in disease. Therefore, it has been classified as a Variant of Uncertain Significance.

Ambry Genetics
Classification: Uncertain significance for Inborn genetic diseases. Last evaluated: 2025-03-02. Review status: criteria provided, single submitter. Criteria: Ambry Variant Classification Scheme 2023. Collection method: clinical testing. Allele origin: germline.
Comment: The p.A113S variant (also known as c.337G>T), located in coding exon 1 of the CEBPA gene, results from a G to T substitution at nucleotide position 337. The alanine at codon 113 is replaced by serine, an amino acid with similar properties. This amino acid position is conserved. In addition, this alteration is predicted to be tolerated by in silico analysis. Based on the available evidence, the clinical significance of this variant remains unclear.

NM_004364.5(CEBPA):c.337G>T (p.Ala113Ser)

Gene: CEBPA (CCAAT enhancer binding protein alpha; minus strand). Cytogenetic location: 19q13.11.
Variant type: single nucleotide variant.
Coding change: c.337G>T on transcript NM_004364.5 (MANE Select); coding-DNA position 337, G replaced by T.
Protein change: p.Ala113Ser; replaces alanine 113 with serine.
Molecular consequence: missense variant. On other transcripts: 5 prime UTR variant (1).
Genome position (GRCh38, 1-based): chr19:33,302,078, C>A on the plus strand (G>T on the coding strand, the complement: CEBPA is on the minus strand). VCF-style: chr19-33302078-C-A. GRCh37 (hg19) VCF-style: chr19-33792984-C-A.
Other names: c.-21G>T (NM_001285829.2); c.442G>T, p.Ala148Ser (NM_001287424.2); c.295G>T, p.Ala99Ser (NM_001287435.2); short protein forms A113S, A148S, A99S.
Identifiers: ClinVar variation 3831241 (VCV003831241.2).